The following is an entry in ClinVar:

ClinVar aggregate classification (germline): Uncertain significance (1 of 4 stars; one submission).

Conditions:
Fanconi anemia (FA). Also called: Fanconi's anemia. Identifiers: Orphanet 84, MedGen C0015625, MeSH D005199, MONDO:0019391.

Allele frequency attached by ClinVar (database versions not stated): TOPMed below 0.00001; gnomAD 0.00001.

Submission:

Labcorp Genetics (formerly Invitae), Labcorp
Classification: Uncertain significance for Fanconi anemia. Last evaluated: 2024-05-06. Review status: criteria provided, single submitter. Criteria: Invitae Variant Classification Sherloc (09022015). Collection method: clinical testing. Allele origin: germline.
Comment: This sequence change replaces alanine, which is neutral and non-polar, with threonine, which is neutral and polar, at codon 604 of the SLX4 protein (p.Ala604Thr). This variant is not present in population databases (gnomAD no frequency). This variant has not been reported in the literature in individuals affected with SLX4-related conditions. ClinVar contains an entry for this variant (Variation ID: 1446198). Algorithms developed to predict the effect of missense changes on protein structure and function output the following: SIFT: "Not Available"; PolyPhen-2: "Possibly Damaging"; Align-GVGD: "Not Available". The threonine amino acid residue is found in multiple mammalian species, which suggests that this missense change does not adversely affect protein function. In summary, the available evidence is currently insufficient to determine the role of this variant in disease. Therefore, it has been classified as a Variant of Uncertain Significance.

NM_032444.4(SLX4):c.1810G>A (p.Ala604Thr)

Gene: SLX4 (SLX4 structure-specific endonuclease subunit; minus strand). Cytogenetic location: 16p13.3.
Variant type: single nucleotide variant.
Coding change: c.1810G>A on transcript NM_032444.4 (MANE Select); coding-DNA position 1810, G replaced by A.
Protein change: p.Ala604Thr; replaces alanine 604 with threonine.
Molecular consequence: missense variant.
Genome position (GRCh38, 1-based): chr16:3,596,267, C>T on the plus strand (G>A on the coding strand, the complement: SLX4 is on the minus strand). VCF-style: chr16-3596267-C-T. GRCh37 (hg19) VCF-style: chr16-3646268-C-T.
Other names: short protein forms A604T.
Identifiers: ClinVar variation 1446198 (VCV001446198.6), dbSNP rs2040655815, ClinGen allele CA394527361.